The following is an entry in ClinVar:

NM_024817.3(THSD4):c.2647A>G (p.Asn883Asp)

Gene: THSD4 (thrombospondin type 1 domain containing 4; plus strand). Cytogenetic location: 15q23.
Variant type: single nucleotide variant.
Coding change: c.2647A>G on transcript NM_024817.3 (MANE Select); coding-DNA position 2647, A replaced by G.
Protein change: p.Asn883Asp; replaces asparagine 883 with aspartic acid.
Molecular consequence: missense variant.
Genome position (GRCh38, 1-based): chr15:71,765,077, A>G. VCF-style: chr15-71765077-A-G. GRCh37 (hg19) VCF-style: chr15-72057416-A-G.
Other names: c.1567A>G, p.Asn523Asp (NM_001286429.2); c.2647A>G, p.Asn883Asp (NM_001394532.1); short protein forms N523D, N883D.
Identifiers: ClinVar variation 3236721 (VCV003236721.2).
Genomic context (GRCh38, chr15:71,765,077, plus strand): 5'-CAGTGTTCCATCGAGTGTGGGAGCGGGACGCAACAGAGGGAGGTGATTTGTGTTAGAAAG[A>G]ATGCAGACACCTTTGAAGTGTTGGACCCCTCTGAATGTTCTTTCCTGGAGAAACCCCCCA-3'
Protein context (NP_079093.2, residues 873-893): QQREVICVRK[Asn883Asp]ADTFEVLDPS

ClinVar aggregate classification (germline): Uncertain significance (1 of 4 stars; one submission).

Conditions:
Aortic aneurysm, familial thoracic 12. Identifiers: MedGen C5676959, MONDO:0030731, OMIM 619825.

Submission:

Centre of Medical Genetics, University of Antwerp
Classification: Uncertain significance for Aortic aneurysm, familial thoracic 12. Last evaluated: 2024-05-21. Review status: criteria provided, single submitter. Criteria: ACMG Guidelines, 2015. Collection method: clinical testing. Allele origin: unknown. Affected: yes.
Comment: PM2, BP4